The following is an entry in ClinVar:

NM_000282.4(PCCA):c.1429G>A (p.Gly477Ser)

Gene: PCCA (propionyl-CoA carboxylase subunit alpha; plus strand). Cytogenetic location: 13q32.3.
Variant type: single nucleotide variant.
Coding change: c.1429G>A on transcript NM_000282.4 (MANE Select); coding-DNA position 1429, G replaced by A.
Protein change: p.Gly477Ser; replaces glycine 477 with serine.
Molecular consequence: missense variant. On other transcripts: non-coding transcript variant (5).
Genome position (GRCh38, 1-based): chr13:100,309,908, G>A. VCF-style: chr13-100309908-G-A. GRCh37 (hg19) VCF-style: chr13-100962162-G-A.
Other names: c.1351G>A, p.Gly451Ser (NM_001352607.2, NM_001127692.3); c.1207G>A, p.Gly403Ser (NM_001352608.2); c.1429G>A, p.Gly477Ser (NM_001352609.2, NM_001178004.2, NM_001352605.2); c.484G>A, p.Gly162Ser (NM_001352610.2, NM_001352611.2); c.340G>A, p.Gly114Ser (NM_001352612.2); c.1285G>A, p.Gly429Ser (NM_001352606.2); short protein forms G114S, G162S, G477S, G403S, G429S, G451S.
Identifiers: ClinVar variation 2116814 (VCV002116814.4), dbSNP rs2548154575, ClinGen allele CA388695898.

ClinVar aggregate classification (germline): Uncertain significance (1 of 4 stars; one submission).

Conditions:
Propionic acidemia (PROP). Also called: GLYCINEMIA, KETOTIC; HYPERGLYCINEMIA WITH KETOACIDOSIS AND LEUKOPENIA; KETOTIC HYPERGLYCINEMIA. Identifiers: Orphanet 35, MedGen C0268579, MONDO:0011628, OMIM 606054, HP:0003571.

Submission:

Labcorp Genetics (formerly Invitae), Labcorp
Classification: Uncertain significance for Propionic acidemia. Last evaluated: 2022-03-25. Review status: criteria provided, single submitter. Criteria: Invitae Variant Classification Sherloc (09022015). Collection method: clinical testing. Allele origin: germline.
Comment: In summary, the available evidence is currently insufficient to determine the role of this variant in disease. Therefore, it has been classified as a Variant of Uncertain Significance. Variants that disrupt the consensus splice site are a relatively common cause of aberrant splicing (PMID: 17576681, 9536098). Algorithms developed to predict the effect of sequence changes on RNA splicing suggest that this variant may disrupt the consensus splice site. Algorithms developed to predict the effect of missense changes on protein structure and function are either unavailable or do not agree on the potential impact of this missense change (SIFT: "Deleterious"; PolyPhen-2: "Probably Damaging"; Align-GVGD: "Class C0"). This variant has not been reported in the literature in individuals affected with PCCA-related conditions. This variant is not present in population databases (gnomAD no frequency). This sequence change replaces glycine, which is neutral and non-polar, with serine, which is neutral and polar, at codon 477 of the PCCA protein (p.Gly477Ser). This variant also falls at the last nucleotide of exon 16, which is part of the consensus splice site for this exon.

Literature cited by the submitters: PubMed 17576681; PubMed 9536098.